The following is an entry in ClinVar:

ClinVar aggregate classification (germline): Pathogenic/Likely pathogenic. Review status: criteria provided, multiple submitters, no conflicts (2 of 4 stars). 4 submissions from 4 submitters: Pathogenic (1); Likely pathogenic (3). Last evaluated 2024-02-14.

Conditions:
FANCG-related disorder. Also called: FANCG-related condition.
Fanconi anemia (FA). Also called: Fanconi's anemia. Identifiers: Orphanet 84, MedGen C0015625, MeSH D005199, MONDO:0019391.
Fanconi anemia complementation group G. Also called: Fanconi anemia group G; FANCG-Related Fanconi Anemia. Identifiers: Orphanet 84, MedGen C3469527, MONDO:0013565, OMIM 614082.

Allele frequency attached by ClinVar (database versions not stated): gnomAD exomes 0.00001; ExAC 0.00002.

Submissions (4):

Fulgent Genetics
Classification: Likely pathogenic for Fanconi anemia complementation group G. Last evaluated: 2024-02-14. Review status: criteria provided, single submitter. Criteria: ACMG Guidelines, 2015. Collection method: clinical testing. Allele origin: germline.

Labcorp Genetics (formerly Invitae), Labcorp
Classification: Pathogenic for Fanconi anemia. Last evaluated: 2023-10-20. Review status: criteria provided, single submitter. Criteria: Invitae Variant Classification Sherloc (09022015). Collection method: clinical testing. Allele origin: germline.
Comment: This sequence change creates a premature translational stop signal (p.Cys314Serfs*12) in the FANCG gene. It is expected to result in an absent or disrupted protein product. Loss-of-function variants in FANCG are known to be pathogenic (PMID: 12552564). This variant is present in population databases (rs768083289, gnomAD 0.002%). This variant has not been reported in the literature in individuals affected with FANCG-related conditions. ClinVar contains an entry for this variant (Variation ID: 2033891). For these reasons, this variant has been classified as Pathogenic.

Baylor Genetics
Classification: Likely pathogenic for Fanconi anemia complementation group G. Last evaluated: 2023-05-02. Review status: criteria provided, single submitter. Criteria: ACMG Guidelines, 2015. Collection method: clinical testing. Allele origin: unknown.

PreventionGenetics, part of Exact Sciences
Classification: Likely pathogenic for FANCG-related condition. Last evaluated: 2022-08-22. Review status: criteria provided, single submitter. Criteria: ACMG Guidelines, 2015. Collection method: clinical testing. Allele origin: germline.
Comment: The FANCG c.941delG variant is predicted to result in a frameshift and premature protein termination (p.Cys314Serfs*12). To our knowledge, this variant has not been reported in the literature. This variant is reported in 0.0018% of alleles in individuals of European (Non-Finnish) descent in gnomAD. Frameshift variants in FANCG are expected to be pathogenic. This variant is interpreted as likely pathogenic.

Literature cited by the submitters: PubMed 12552564 (cited by Labcorp Genetics (formerly Invitae), Labcorp).

NM_004629.2(FANCG):c.941del (p.Cys314fs)

Gene: FANCG (FA complementation group G; minus strand). Cytogenetic location: 9p13.3.
Variant type: Deletion.
Coding change: c.941del on transcript NM_004629.2 (MANE Select); coding-DNA position 941, one base deleted (G; older notation c.941delG).
Protein change: p.Cys314fs; shifts the reading frame from cysteine 314.
Molecular consequence: frameshift variant.
Genome position (GRCh38, 1-based): chr9:35,076,567, C deleted on the plus strand (G on the coding strand, the reverse complement: FANCG is on the minus strand). VCF-style (leftmost placement, unchanged base first): chr9-35076566-GC-G. GRCh37 (hg19) VCF-style: chr9-35076563-GC-G.
Other names: short protein forms C314fs.
Identifiers: ClinVar variation 2033891 (VCV002033891.7), dbSNP rs768083289, ClinGen allele CA5039884.